The following is an entry in ClinVar:

ClinVar aggregate classification (germline): Uncertain significance. Review status: criteria provided, multiple submitters, no conflicts (2 of 4 stars). 2 submissions from 2 submitters: Uncertain significance (2). Last evaluated 2024-03-13.

Conditions:
Multiple system atrophy 1, susceptibility to. Also called: MSA1, SUSCEPTIBILITY TO. Identifiers: MedGen C3714927, MONDO:0020715, OMIM 146500.
Coenzyme Q10 deficiency, primary, 1. Also called: UBIQUINONE DEFICIENCY 1; COENZYME Q DEFICIENCY 1; CoQ DEFICIENCY 1. Identifiers: Orphanet 255249, MedGen C3551954, MONDO:0011829, OMIM 607426.

Allele frequency attached by ClinVar (database versions not stated): ExAC 0.00004; gnomAD 0.00014; TOPMed 0.00015; 1000 Genomes Project 30x 0.00016; 1000 Genomes Project 0.00020; ESP Exome Variant Server 0.00025.
gnomAD v4.1: 35 of 1,613,634 alleles (0.0022%); highest among the groups gnomAD compares: African/African-American, 0.033%; no homozygotes.

Submissions (2):

Fulgent Genetics
Classification: Uncertain significance for Multiple system atrophy 1, susceptibility to; Coenzyme Q10 deficiency, primary, 1. Last evaluated: 2024-03-13. Review status: criteria provided, single submitter. Criteria: ACMG Guidelines, 2015. Collection method: clinical testing. Allele origin: germline.

Labcorp Genetics (formerly Invitae), Labcorp
Classification: Uncertain significance. Last evaluated: 2023-07-17. Review status: criteria provided, single submitter. Criteria: Invitae Variant Classification Sherloc (09022015). Collection method: clinical testing. Allele origin: germline.
Comment: This sequence change replaces glycine, which is neutral and non-polar, with glutamic acid, which is acidic and polar, at codon 215 of the COQ2 protein (p.Gly215Glu). This variant is present in population databases (rs200791648, gnomAD 0.03%). This variant has not been reported in the literature in individuals affected with COQ2-related conditions. ClinVar contains an entry for this variant (Variation ID: 2417762). Advanced modeling of protein sequence and biophysical properties (such as structural, functional, and spatial information, amino acid conservation, physicochemical variation, residue mobility, and thermodynamic stability) performed at Invitae indicates that this missense variant is expected to disrupt COQ2 protein function. In summary, the available evidence is currently insufficient to determine the role of this variant in disease. Therefore, it has been classified as a Variant of Uncertain Significance.

NM_001358921.2(COQ2):c.494G>A (p.Gly165Glu)

Gene: COQ2 (coenzyme Q2, polyprenyltransferase; minus strand). Cytogenetic location: 4q21.23.
Variant type: single nucleotide variant.
Coding change: c.494G>A on transcript NM_001358921.2 (MANE Select); coding-DNA position 494, G replaced by A.
Protein change: p.Gly165Glu; replaces glycine 165 with glutamic acid.
Molecular consequence: missense variant.
Genome position (GRCh38, 1-based): chr4:83,273,544, C>T on the plus strand (G>A on the coding strand, the complement: COQ2 is on the minus strand). VCF-style: chr4-83273544-C-T. GRCh37 (hg19) VCF-style: chr4-84194697-C-T.
Other names: c.644G>A, p.Gly215Glu (NM_015697.9); c.644G>A (NM_015697.8); short protein forms G165E, G215E.
Identifiers: ClinVar variation 2417762 (VCV002417762.5), dbSNP rs200791648, ClinGen allele CA2988589.